The following is an entry in ClinVar:

NM_017802.4(DNAAF5):c.437T>C (p.Val146Ala)

Genes: DNAAF5 (dynein axonemal assembly factor 5; plus strand), PRKAR1B (protein kinase cAMP-dependent type I regulatory subunit beta; minus strand). Cytogenetic location: 7p22.3.
Variant type: single nucleotide variant.
Coding change: c.437T>C on transcript NM_017802.4 (MANE Select); coding-DNA position 437, T replaced by C.
Protein change: p.Val146Ala; replaces valine 146 with alanine.
Molecular consequence: missense variant. On other transcripts: non-coding transcript variant (1), intron variant (3).
Genome position (GRCh38, 1-based): chr7:727,157, T>C. VCF-style: chr7-727157-T-C. GRCh37 (hg19) VCF-style: chr7-766794-T-C.
Other names: c.-23+498A>G (NM_001164759.1); c.-23+433A>G (NM_001164758.2); c.-23+53A>G (NM_001164760.2); short protein forms V146A.
Identifiers: ClinVar variation 858945 (VCV000858945.10), dbSNP rs1781349143, ClinGen allele CA366530647.

ClinVar aggregate classification (germline): Uncertain significance (1 of 4 stars; one submission).

Conditions:
Primary ciliary dyskinesia. Also called: Ciliary dyskinesia. Identifiers: Orphanet 244, MedGen C0008780, MONDO:0016575, HP:0012265.

Allele frequency attached by ClinVar (database versions not stated): gnomAD exomes below 0.00001.
gnomAD v4.1: 2 of 1,285,222 alleles (0.00016%); highest among the groups gnomAD compares: South Asian, 0.002%; no homozygotes.

Submission:

Labcorp Genetics (formerly Invitae), Labcorp
Classification: Uncertain significance for Primary ciliary dyskinesia. Last evaluated: 2022-07-06. Review status: criteria provided, single submitter. Criteria: Invitae Variant Classification Sherloc (09022015). Collection method: clinical testing. Allele origin: germline.
Comment: Algorithms developed to predict the effect of missense changes on protein structure and function are either unavailable or do not agree on the potential impact of this missense change (SIFT: "Deleterious"; PolyPhen-2: "Possibly Damaging"; Align-GVGD: "Class C0"). ClinVar contains an entry for this variant (Variation ID: 858945). This variant has not been reported in the literature in individuals affected with DNAAF5-related conditions. This variant is not present in population databases (gnomAD no frequency). This sequence change replaces valine, which is neutral and non-polar, with alanine, which is neutral and non-polar, at codon 146 of the DNAAF5 protein (p.Val146Ala). In summary, the available evidence is currently insufficient to determine the role of this variant in disease. Therefore, it has been classified as a Variant of Uncertain Significance.